The following is an entry in ClinVar:

NM_005101.4(ISG15):c.-33T>C

Gene: ISG15 (ISG15 ubiquitin like modifier; plus strand). Cytogenetic location: 1p36.33.
Variant type: single nucleotide variant.
Coding change: c.-33T>C on transcript NM_005101.4 (MANE Select); 33 bases upstream of the start codon, T replaced by C.
Molecular consequence: 5 prime UTR variant.
Genome position (GRCh38, 1-based): chr1:1,013,541, T>C. VCF-style: chr1-1013541-T-C. GRCh37 (hg19) VCF-style: chr1-948921-T-C.
Identifiers: ClinVar variation 1185394 (VCV001185394.5), dbSNP rs15842, ClinGen allele CA507556.

ClinVar aggregate classification (germline): Benign. Review status: criteria provided, multiple submitters, no conflicts (2 of 4 stars). 3 submissions from 3 submitters: Benign (3). Last evaluated 2023-11-02.

Conditions:
Mendelian susceptibility to mycobacterial diseases due to complete ISG15 deficiency. Also called: Immunodeficiency 38; IMMUNODEFICIENCY 38, MYCOBACTERIOSIS, AUTOSOMAL RECESSIVE; ISG15 DEFICIENCY, AUTOSOMAL RECESSIVE; Immunodeficiency 38 with basal ganglia calcification. Identifiers: Orphanet 319563, MedGen C4015293, MONDO:0014502, OMIM 616126.

Allele frequency attached by ClinVar (database versions not stated): ESP Exome Variant Server 0.88579; TOPMed 0.88851; gnomAD 0.89266 and 0.89789; 1000 Genomes Project 30x 0.90100; 1000 Genomes Project 0.90315; gnomAD exomes 0.95639.

Submissions (3):

Unidad de Genómica Garrahan, Hospital de Pediatría Garrahan
Classification: Benign. Last evaluated: 2023-11-02. Review status: criteria provided, single submitter. Criteria: ACMG Guidelines, 2015. Collection method: clinical testing. Allele origin: germline. Affected: no. Observed: 96 variant alleles.
Comment: This variant is classified as Benign based on local population frequency. This variant was detected in 100% of patients studied by a panel of primary immunodeficiencies. Number of patients: 96. Only high quality variants are reported.

Genome-Nilou Lab
Classification: Benign for Mendelian susceptibility to mycobacterial diseases due to complete ISG15 deficiency. Last evaluated: 2021-07-14. Review status: criteria provided, single submitter. Criteria: ACMG Guidelines, 2015. Collection method: clinical testing. Allele origin: germline. Affected: no.

Breakthrough Genomics
Classification: Benign. Review status: criteria provided, single submitter. Criteria: ACMG Guidelines, 2015. Collection method: not provided. Allele origin: germline. Inheritance: Autosomal recessive inheritance. Affected: yes.